The following is an entry in ClinVar:

NM_001848.3(COL6A1):c.2014G>A (p.Glu672Lys)

Gene: COL6A1 (collagen type VI alpha 1 chain; plus strand). Cytogenetic location: 21q22.3.
Variant type: single nucleotide variant.
Coding change: c.2014G>A on transcript NM_001848.3 (MANE Select); coding-DNA position 2014, G replaced by A.
Protein change: p.Glu672Lys; replaces glutamic acid 672 with lysine.
Molecular consequence: missense variant.
Genome position (GRCh38, 1-based): chr21:46,002,018, G>A. VCF-style: chr21-46002018-G-A. GRCh37 (hg19) VCF-style: chr21-47421932-G-A.
Other names: c.2014G>A (NM_001848.2); short protein forms E672K.
Identifiers: ClinVar variation 1416827 (VCV001416827.22), dbSNP rs765421411, ClinGen allele CA10070718.
Genomic context (GRCh38, chr21:46,002,018, plus strand): 5'-CAGTTCGAGCCAGGGCAGTCGTACGCGGGTGTGGTGCAGTACAGCCACAGCCAGATGCAG[G>A]AGCACGTGAGCCTGCGCAGCCCCAGCATCCGGAACGTGCAGGAGCTCAAGGAGTGAGTGC-3'
Protein context (NP_001839.2, residues 662-682): VVQYSHSQMQ[Glu672Lys]HVSLRSPSIR

ClinVar aggregate classification (germline): Conflicting classifications of pathogenicity. Review status: criteria provided, conflicting classifications (1 of 4 stars). 5 submissions from 5 submitters: Uncertain significance (4); Likely benign (1). Last evaluated 2025-07-01.

Conditions:
Bethlem myopathy 1A. Also called: MYOPATHY, BENIGN CONGENITAL, WITH CONTRACTURES; Bethlem myopathy 1; Bethlem Muscular Dystrophy. Identifiers: Orphanet 610, MedGen CN029274, MONDO:0024530, OMIM 158810.

Allele frequency attached by ClinVar (database versions not stated): gnomAD 0.00001; TOPMed 0.00001; gnomAD exomes 0.00004 and 0.00009; ExAC 0.00011.
gnomAD v4.1: 56 of 1,612,578 alleles (0.0035%); highest among the groups gnomAD compares: South Asian, 0.042%; no homozygotes.

Submissions (5):

CeGaT Center for Human Genetics Tuebingen
Classification: Uncertain significance. Last evaluated: 2025-07-01. Review status: criteria provided, single submitter. Criteria: CeGaT Center For Human Genetics Tuebingen Variant Classification Criteria Version 2. Collection method: clinical testing. Allele origin: germline. Affected: yes. Observed: 2 variant alleles.
Comment: COL6A1: PM2:Supporting, PM3:Supporting, PP3

Revvity Omics, Revvity
Classification: Uncertain significance. Last evaluated: 2025-06-18. Review status: criteria provided, single submitter. Criteria: ACMG Guidelines, 2015. Collection method: clinical testing. Allele origin: germline.

GeneDx
Classification: Uncertain significance. Last evaluated: 2025-04-25. Review status: criteria provided, single submitter. Criteria: GeneDx Variant Classification Process June 2021. Collection method: clinical testing. Allele origin: germline. Affected: yes.
Comment: In silico analysis supports that this missense variant has a deleterious effect on protein structure/function; This variant is associated with the following publications: (PMID: 38155714)

Blueprint Genetics
Classification: Uncertain significance. Last evaluated: 2024-06-21. Review status: criteria provided, single submitter. Criteria: ACMG Guidelines, 2015. Collection method: clinical testing. Allele origin: germline.

Labcorp Genetics (formerly Invitae), Labcorp
Classification: Likely benign for Bethlem myopathy 1A. Last evaluated: 2022-11-24. Review status: criteria provided, single submitter. Criteria: Invitae Variant Classification Sherloc (09022015). Collection method: clinical testing. Allele origin: germline.